The following is an entry in ClinVar:

ClinVar aggregate classification (germline): Uncertain significance (1 of 4 stars; one submission).

Conditions:
Hereditary cancer-predisposing syndrome. Also called: Tumor predisposition; Hereditary Cancer Syndrome; Neoplastic Syndromes, Hereditary; Hereditary neoplastic syndrome. Identifiers: Orphanet 140162, MedGen C0027672, MeSH D009386, MONDO:0015356.

Submission:

Ambry Genetics
Classification: Uncertain significance for Hereditary cancer-predisposing syndrome. Last evaluated: 2018-10-21. Review status: criteria provided, single submitter. Criteria: Ambry Variant Classification Scheme 2023. Collection method: clinical testing. Allele origin: germline.
Comment: The p.D891N variant (also known as c.2671G>A), located in coding exon 16 of the DICER1 gene, results from a G to A substitution at nucleotide position 2671. The aspartic acid at codon 891 is replaced by asparagine, an amino acid with highly similar properties. This amino acid position is highly conserved in available vertebrate species. In addition, this alteration is predicted to be tolerated by in silico analysis. Since supporting evidence is limited at this time, the clinical significance of this alteration remains unclear.

NM_177438.3(DICER1):c.2671G>A (p.Asp891Asn)

Gene: DICER1 (dicer 1, ribonuclease III; minus strand). Cytogenetic location: 14q32.13.
Variant type: single nucleotide variant.
Coding change: c.2671G>A on transcript NM_177438.3 (MANE Select); coding-DNA position 2671, G replaced by A.
Protein change: p.Asp891Asn; replaces aspartic acid 891 with asparagine.
Molecular consequence: missense variant.
Genome position (GRCh38, 1-based): chr14:95,107,741, C>T on the plus strand (G>A on the coding strand, the complement: DICER1 is on the minus strand). VCF-style: chr14-95107741-C-T. GRCh37 (hg19) VCF-style: chr14-95574078-C-T.
Other names: c.2671G>A, p.Asp891Asn (NM_001195573.1, NM_001271282.3, NM_001291628.2 and 1 more transcripts); short protein forms D891N.
Identifiers: ClinVar variation 821657 (VCV000821657.4), dbSNP rs1595379342, ClinGen allele CA390880853.